The following is an entry in ClinVar:

NM_006648.4(WNK2):c.4493C>G (p.Pro1498Arg)

Gene: WNK2 (WNK lysine deficient protein kinase 2; plus strand). Cytogenetic location: 9q22.31.
Variant type: single nucleotide variant.
Coding change: c.4493C>G on transcript NM_006648.4 (MANE Select); coding-DNA position 4493, C replaced by G.
Protein change: p.Pro1498Arg; replaces proline 1498 with arginine.
Molecular consequence: missense variant.
Genome position (GRCh38, 1-based): chr9:93,289,247, C>G. VCF-style: chr9-93289247-C-G. GRCh37 (hg19) VCF-style: chr9-96051529-C-G.
Other names: c.4604C>G, p.Pro1535Arg (NM_001282394.3); short protein forms P1498R, P1535R.
Identifiers: ClinVar variation 3981640 (VCV003981640.1).

ClinVar aggregate classification (germline): Uncertain significance (1 of 4 stars; one submission).

Submission:

Ambry Genetics
Classification: Uncertain significance. Last evaluated: 2025-03-15. Review status: criteria provided, single submitter. Criteria: Ambry Variant Classification Scheme 2023. Collection method: clinical testing. Allele origin: germline.
Comment: The p.P1498R variant (also known as c.4493C>G), located in coding exon 19 of the WNK2 gene, results from a C to G substitution at nucleotide position 4493. The proline at codon 1498 is replaced by arginine, an amino acid with dissimilar properties. This amino acid position is conserved. In addition, this alteration is predicted to be tolerated by in silico analysis. Based on the available evidence, the clinical significance of this variant remains unclear.